The following is an entry in ClinVar:

NM_005219.5(DIAPH1):c.3690A>T (p.Thr1230=)

Gene: DIAPH1 (diaphanous related formin 1; minus strand). Cytogenetic location: 5q31.3.
Variant type: single nucleotide variant.
Coding change: c.3690A>T on transcript NM_005219.5 (MANE Select); coding-DNA position 3690, A replaced by T.
Protein change: p.Thr1230=; no amino-acid change (threonine 1230 retained).
Molecular consequence: synonymous variant. On other transcripts: missense variant (1).
Genome position (GRCh38, 1-based): chr5:141,516,980, T>A on the plus strand (A>T on the coding strand, the complement: DIAPH1 is on the minus strand). VCF-style: chr5-141516980-T-A. GRCh37 (hg19) VCF-style: chr5-140896547-T-A.
Other names: c.3663A>T, p.Thr1221= (NM_001079812.3); c.3743A>T, p.His1248Leu (NM_001314007.2); c.3743A>T (NM_001314007.1); short protein forms H1248L.
Identifiers: ClinVar variation 762519 (VCV000762519.10), dbSNP rs1596330582, ClinGen allele CA446850848.
Genomic context (GRCh38, chr5:141,516,980, plus strand): 5'-CACCTTGGCAGGAACAGCAGCCATGGCATCATCCTTGGTCAGCTCCGAAGCTAGCAGAGA[T>A]GTGACTGCACACCCGGCCTTCCTGTTGGCTGCAAGAGAAGACGAGAGATTCTGTCTATGG-3'
Protein context (NP_005210.3, residues 1220-1240): QANRKAGCAV[Thr1230=]SLLASELTKD

ClinVar aggregate classification (germline): Conflicting classifications of pathogenicity. Review status: criteria provided, conflicting classifications (1 of 4 stars). 2 submissions from 2 submitters: Uncertain significance (1); Likely benign (1). Last evaluated 2026-03-18.

Conditions:
Progressive microcephaly-seizures-cortical blindness-developmental delay syndrome. Also called: Seizures, cortical blindness, and microcephaly syndrome. Identifiers: Orphanet 477814, MedGen C5567650, MONDO:0014714, OMIM 616632.
Autosomal dominant nonsyndromic hearing loss 1. Also called: KONIGSMARK SYNDROME; DEAFNESS, AUTOSOMAL DOMINANT 1, WITH OR WITHOUT THROMBOCYTOPENIA. Identifiers: Orphanet 90635, MedGen C1852282, MONDO:0007424, OMIM 124900.
DIAPH1-related disorder. Also called: DIAPH1-related condition.

Allele frequency attached by ClinVar (database versions not stated): gnomAD exomes below 0.00001; TOPMed below 0.00001.
gnomAD v4.1: 1 of 1,614,248 alleles (0.000062%); highest among the groups gnomAD compares: Middle Eastern, 0.017%; no homozygotes.

Submissions (2):

PreventionGenetics, part of Exact Sciences
Classification: Uncertain significance for DIAPH1-related condition. Last evaluated: 2026-03-18. Review status: criteria provided, single submitter. Criteria: ACMG Guidelines, 2015. Collection method: clinical testing. Allele origin: germline.
Comment: The DIAPH1 c.3743A>T variant is predicted to result in the amino acid substitution p.His1248Leu. To our knowledge, this variant has not been reported in the literature or in a large population database (gnomAD), indicating this variant is rare. At this time, the clinical significance of this variant is uncertain due to the absence of conclusive functional and genetic evidence.

Labcorp Genetics (formerly Invitae), Labcorp
Classification: Likely benign for Progressive microcephaly-seizures-cortical blindness-developmental delay syndrome; Autosomal dominant nonsyndromic hearing loss 1. Last evaluated: 2023-11-27. Review status: criteria provided, single submitter. Criteria: Invitae Variant Classification Sherloc (09022015). Collection method: clinical testing. Allele origin: germline.